The following is an entry in ClinVar:

ClinVar aggregate classification (germline): Likely benign. Review status: criteria provided, multiple submitters, no conflicts (2 of 4 stars). 3 submissions from 3 submitters: Likely benign (3). Last evaluated 2026-01-31.

Conditions:
Neuroblastoma, susceptibility to, 3. Also called: ALK-Related Neuroblastic Tumor Susceptibility. Identifiers: Orphanet 635, MedGen C2751681, MONDO:0013083, OMIM 613014.
Hereditary cancer-predisposing syndrome. Also called: Tumor predisposition; Hereditary neoplastic syndrome; Neoplastic Syndromes, Hereditary; Hereditary Cancer Syndrome. Identifiers: Orphanet 140162, MedGen C0027672, MeSH D009386, MONDO:0015356.

gnomAD v4.1: 3 of 1,614,146 alleles (0.00019%); highest among the groups gnomAD compares: South Asian, 0.0022%; no homozygotes.

Submissions (3):

Labcorp Genetics (formerly Invitae), Labcorp
Classification: Likely benign for Neuroblastoma, susceptibility to, 3. Last evaluated: 2026-01-31. Review status: criteria provided, single submitter. Criteria: Invitae Variant Classification Sherloc (09022015). Collection method: clinical testing. Allele origin: germline.

CeGaT Center for Human Genetics Tuebingen
Classification: Likely benign. Last evaluated: 2024-10-01. Review status: criteria provided, single submitter. Criteria: CeGaT Center For Human Genetics Tuebingen Variant Classification Criteria Version 2. Collection method: clinical testing. Allele origin: germline. Affected: yes. Observed: 1 variant allele.
Comment: ALK: BP4, BP7

Ambry Genetics
Classification: Likely benign for Hereditary cancer-predisposing syndrome. Last evaluated: 2019-08-24. Review status: criteria provided, single submitter. Criteria: Ambry Variant Classification Scheme 2023. Collection method: clinical testing. Allele origin: germline.

NM_004304.5(ALK):c.3555G>T (p.Val1185=)

Gene: ALK (ALK receptor tyrosine kinase; minus strand). Cytogenetic location: 2p23.2.
Variant type: single nucleotide variant.
Coding change: c.3555G>T on transcript NM_004304.5 (MANE Select); coding-DNA position 3555, G replaced by T.
Protein change: p.Val1185=; no amino-acid change (valine 1185 retained).
Molecular consequence: synonymous variant.
Genome position (GRCh38, 1-based): chr2:29,220,796, C>A on the plus strand (G>T on the coding strand, the complement: ALK is on the minus strand). VCF-style: chr2-29220796-C-A. GRCh37 (hg19) VCF-style: chr2-29443662-C-A.
Other names: c.351G>T, p.Val117= (NM_001353765.2).
Identifiers: ClinVar variation 823920 (VCV000823920.26), dbSNP rs777309744, ClinGen allele CA425619428.
Genomic context (GRCh38, chr2:29,220,796, plus strand): 5'-CTTGAGGTCTCCCCCCGCCATGAGCTCCAGCAGGATGAACCGGGGCAGGGATTGCAGGCT[C>A]ACCCCAATGCAGCGAACAATGTTCTGGTGGTTGAATTTGCTGCAGAGCAGAGAGGGATGT-3'
Protein context (NP_004295.2, residues 1175-1195): NHQNIVRCIG[Val1185=]SLQSLPRFIL